The following is an entry in ClinVar:

NM_004656.4(BAP1):c.329C>A (p.Pro110His)

Gene: BAP1 (BRCA1 associated deubiquitinase 1; minus strand). Cytogenetic location: 3p21.1.
Variant type: single nucleotide variant.
Coding change: c.329C>A on transcript NM_004656.4 (MANE Select); coding-DNA position 329, C replaced by A.
Protein change: p.Pro110His; replaces proline 110 with histidine.
Molecular consequence: missense variant.
Genome position (GRCh38, 1-based): chr3:52,408,004, G>T on the plus strand (C>A on the coding strand, the complement: BAP1 is on the minus strand). VCF-style: chr3-52408004-G-T. GRCh37 (hg19) VCF-style: chr3-52442020-G-T.
Other names: c.329C>A, p.Pro110His (NM_001410772.1); short protein forms P110H.
Identifiers: ClinVar variation 2817154 (VCV002817154.3), dbSNP rs2153228101, ClinGen allele CA353112101.

ClinVar aggregate classification (germline): Uncertain significance (1 of 4 stars; one submission).

Conditions:
BAP1-related tumor predisposition syndrome (TPDS1). Also called: Tumor susceptibility linked to germline BAP1 mutations; TUMOR PREDISPOSITION SYNDROME 1; BAP1 tumor predisposition syndrome; COMMON Syndrome. Identifiers: Orphanet 289539, MedGen C3280492, MONDO:0013692, OMIM 614327.

Submission:

Labcorp Genetics (formerly Invitae), Labcorp
Classification: Uncertain significance for BAP1-related tumor predisposition syndrome. Last evaluated: 2022-11-28. Review status: criteria provided, single submitter. Criteria: Invitae Variant Classification Sherloc (09022015). Collection method: clinical testing. Allele origin: germline.
Comment: Advanced modeling of protein sequence and biophysical properties (such as structural, functional, and spatial information, amino acid conservation, physicochemical variation, residue mobility, and thermodynamic stability) performed at Invitae indicates that this missense variant is not expected to disrupt BAP1 protein function. In summary, the available evidence is currently insufficient to determine the role of this variant in disease. Therefore, it has been classified as a Variant of Uncertain Significance. This variant has not been reported in the literature in individuals affected with BAP1-related conditions. This variant is not present in population databases (gnomAD no frequency). This sequence change replaces proline, which is neutral and non-polar, with histidine, which is basic and polar, at codon 110 of the BAP1 protein (p.Pro110His).